The following is an entry in ClinVar:

ClinVar aggregate classification (germline): Uncertain significance. Review status: criteria provided, multiple submitters, no conflicts (2 of 4 stars). 3 submissions from 3 submitters: Uncertain significance (3). Last evaluated 2025-11-15.

Conditions:
Familial adenomatous polyposis 1 (FAP1). Also called: POLYPOSIS, ADENOMATOUS INTESTINAL; FAMILIAL ADENOMATOUS POLYPOSIS 1, ATTENUATED. Identifiers: MedGen C2713442, MONDO:0021056, OMIM 175100. Disease mechanism: loss of function.
Hereditary cancer-predisposing syndrome. Also called: Tumor predisposition; Hereditary neoplastic syndrome; Neoplastic Syndromes, Hereditary; Hereditary Cancer Syndrome. Identifiers: Orphanet 140162, MedGen C0027672, MeSH D009386, MONDO:0015356.

Submissions (3):

Ambry Genetics
Classification: Uncertain significance for Hereditary cancer-predisposing syndrome. Last evaluated: 2025-11-15. Review status: criteria provided, single submitter. Criteria: Ambry Variant Classification Scheme 2023. Collection method: clinical testing. Allele origin: germline.
Comment: The p.Y1078F variant (also known as c.3233A>T), located in coding exon 15 of the APC gene, results from an A to T substitution at nucleotide position 3233. The tyrosine at codon 1078 is replaced by phenylalanine, an amino acid with highly similar properties. This amino acid position is well conserved in available vertebrate species. In addition, in silico predictors for this gene do not accurately predict pathogenicity. Since supporting evidence is limited at this time, the clinical significance of this alteration remains unclear.

Color Diagnostics, LLC DBA Color Health
Classification: Uncertain significance for Hereditary cancer-predisposing syndrome. Last evaluated: 2025-07-07. Review status: criteria provided, single submitter. Criteria: ACMG Guidelines, 2015. Collection method: clinical testing. Allele origin: germline.
Comment: This missense variant replaces tyrosine with phenylalanine at codon 1078 of the APC protein. Computational prediction suggests that this variant may not impact protein structure and function. To our knowledge, functional studies have not been reported for this variant. This variant has not been reported in individuals affected with APC-related disorders in the literature. This variant has not been identified in the general population by the Genome Aggregation Database (gnomAD). The available evidence is insufficient to determine the role of this variant in disease conclusively. Therefore, this variant is classified as a Variant of Uncertain Significance.

Labcorp Genetics (formerly Invitae), Labcorp
Classification: Uncertain significance for Familial adenomatous polyposis 1. Last evaluated: 2022-03-11. Review status: criteria provided, single submitter. Criteria: Invitae Variant Classification Sherloc (09022015). Collection method: clinical testing. Allele origin: germline.
Comment: Algorithms developed to predict the effect of missense changes on protein structure and function are either unavailable or do not agree on the potential impact of this missense change (SIFT: "Tolerated"; PolyPhen-2: "Probably Damaging"; Align-GVGD: "Class C0"). In summary, the available evidence is currently insufficient to determine the role of this variant in disease. Therefore, it has been classified as a Variant of Uncertain Significance. ClinVar contains an entry for this variant (Variation ID: 951249). This variant has not been reported in the literature in individuals affected with APC-related conditions. This variant is not present in population databases (gnomAD no frequency). This sequence change replaces tyrosine, which is neutral and polar, with phenylalanine, which is neutral and non-polar, at codon 1078 of the APC protein (p.Tyr1078Phe).

NM_000038.6(APC):c.3233A>T (p.Tyr1078Phe)

Gene: APC (APC regulator of Wnt signaling pathway; plus strand). Cytogenetic location: 5q22.2.
Variant type: single nucleotide variant.
Coding change: c.3233A>T on transcript NM_000038.6 (MANE Select); coding-DNA position 3233, A replaced by T.
Protein change: p.Tyr1078Phe; replaces tyrosine 1078 with phenylalanine.
Molecular consequence: missense variant.
Genome position (GRCh38, 1-based): chr5:112,838,827, A>T. VCF-style: chr5-112838827-A-T. GRCh37 (hg19) VCF-style: chr5-112174524-A-T.
Other names: c.3233A>T, p.Tyr1078Phe (NM_001127510.3, NM_001354895.2); c.3179A>T, p.Tyr1060Phe (NM_001127511.3); c.3287A>T, p.Tyr1096Phe (NM_001354896.2); c.3263A>T, p.Tyr1088Phe (NM_001354897.2); c.3158A>T, p.Tyr1053Phe (NM_001354898.2); c.3149A>T, p.Tyr1050Phe (NM_001354899.2); c.3110A>T, p.Tyr1037Phe (NM_001354900.2); c.3056A>T, p.Tyr1019Phe (NM_001354901.2); and 5 more; short protein forms Y1050F, Y1060F, Y977F, Y1053F, Y1096F, Y918F, Y987F, Y1019F.
Identifiers: ClinVar variation 951249 (VCV000951249.14), dbSNP rs1765370570, ClinGen allele CA16028425.